The following is an entry in ClinVar:

NM_020919.4(ALS2):c.1885G>A (p.Glu629Lys)

Gene: ALS2 (alsin Rho guanine nucleotide exchange factor ALS2; minus strand). Cytogenetic location: 2q33.1.
Variant type: single nucleotide variant.
Coding change: c.1885G>A on transcript NM_020919.4 (MANE Select); coding-DNA position 1885, G replaced by A.
Protein change: p.Glu629Lys; replaces glutamic acid 629 with lysine.
Molecular consequence: missense variant.
Genome position (GRCh38, 1-based): chr2:201,746,679, C>T on the plus strand (G>A on the coding strand, the complement: ALS2 is on the minus strand). VCF-style: chr2-201746679-C-T. GRCh37 (hg19) VCF-style: chr2-202611402-C-T.
Other names: c.1885G>A (NM_020919.3); short protein forms E629K.
Identifiers: ClinVar variation 1006063 (VCV001006063.9), dbSNP rs748812008, ClinGen allele CA2058325.
Genomic context (GRCh38, chr2:201,746,679, plus strand): 5'-GGTTGTCACCTTCTGTAGGGTCCTGTCGGCCACTGTAATATAACCCAGGCTGGAAGTCTT[C>T]TGTATCCACTAAAAACAGGGAATAATCCCTGCCTGCAGCTATGCTCCAGACTCCATTTTC-3'
Protein context (NP_065970.2, residues 619-639): RDYSLFLVDT[Glu629Lys]DFQPGLYYSG

ClinVar aggregate classification (germline): Uncertain significance. Review status: criteria provided, multiple submitters, no conflicts (2 of 4 stars). 2 submissions from 2 submitters: Uncertain significance (2). Last evaluated 2023-09-29.

Conditions:
Inborn genetic diseases. Identifiers: MedGen C0950123, MeSH D030342.
Infantile-onset ascending hereditary spastic paralysis (IAHSP). Also called: Autosomal Recessive Juvenile Amyotrophic Lateral Sclerosis; Infantile-Onset Ascending Hereditary Spastic Paralysis (IAHSP). Identifiers: Orphanet 293168, MedGen C2931441, MONDO:0011797, OMIM 607225. Disease mechanism: loss of function.

Allele frequency attached by ClinVar (database versions not stated): TOPMed below 0.00001; gnomAD 0.00001; gnomAD exomes 0.00001; ExAC 0.00002.
gnomAD v4.1: 13 of 1,614,034 alleles (0.00081%); highest among the groups gnomAD compares: African/African-American, 0.0013%; no homozygotes.

Submissions (2):

Ambry Genetics
Classification: Uncertain significance for Inborn genetic diseases. Last evaluated: 2023-09-29. Review status: criteria provided, single submitter. Criteria: Ambry Variant Classification Scheme 2023. Collection method: clinical testing. Allele origin: germline.

Labcorp Genetics (formerly Invitae), Labcorp
Classification: Uncertain significance for Infantile-onset ascending hereditary spastic paralysis. Last evaluated: 2020-02-27. Review status: criteria provided, single submitter. Criteria: Invitae Variant Classification Sherloc (09022015). Collection method: clinical testing. Allele origin: germline.
Comment: This sequence change replaces glutamic acid with lysine at codon 629 of the ALS2 protein (p.Glu629Lys). The glutamic acid residue is moderately conserved and there is a small physicochemical difference between glutamic acid and lysine. This variant is present in population databases (rs748812008, ExAC 0.003%). This variant has not been reported in the literature in individuals with ALS2-related conditions. Algorithms developed to predict the effect of missense changes on protein structure and function (SIFT, PolyPhen-2, Align-GVGD) all suggest that this variant is likely to be tolerated, but these predictions have not been confirmed by published functional studies and their clinical significance is uncertain. In summary, the available evidence is currently insufficient to determine the role of this variant in disease. Therefore, it has been classified as a Variant of Uncertain Significance.